The following is an entry in ClinVar:

NM_019032.6(ADAMTSL4):c.706G>A (p.Ala236Thr)

Genes: ADAMTSL4 (ADAMTS like 4; plus strand), ADAMTSL4-AS2 (ADAMTSL4 antisense RNA 2; minus strand). Cytogenetic location: 1q21.2.
Variant type: single nucleotide variant.
Coding change: c.706G>A on transcript NM_019032.6 (MANE Select); coding-DNA position 706, G replaced by A.
Protein change: p.Ala236Thr; replaces alanine 236 with threonine.
Molecular consequence: missense variant.
Genome position (GRCh38, 1-based): chr1:150,553,697, G>A. VCF-style: chr1-150553697-G-A. GRCh37 (hg19) VCF-style: chr1-150526173-G-A.
Other names: c.706G>A, p.Ala236Thr (NM_001288607.2, NM_001288608.2, NM_001378596.1 and 1 more transcripts); c.706G>A (NM_019032.4); short protein forms A236T.
Identifiers: ClinVar variation 1414327 (VCV001414327.4), dbSNP rs368893787, ClinGen allele CA1078018.

ClinVar aggregate classification (germline): Uncertain significance. Review status: criteria provided, multiple submitters, no conflicts (2 of 4 stars). 2 submissions from 2 submitters: Uncertain significance (2). Last evaluated 2025-02-20.

Conditions:
Inborn genetic diseases. Identifiers: MedGen C0950123, MeSH D030342.

Allele frequency attached by ClinVar (database versions not stated): gnomAD 0.00005; ESP Exome Variant Server 0.00008; 1000 Genomes Project 30x 0.00031; 1000 Genomes Project 0.00020; ExAC 0.00001.
gnomAD v4.1: 12 of 1,611,972 alleles (0.00074%); highest among the groups gnomAD compares: African/African-American, 0.0094%; no homozygotes.

Submissions (2):

Ambry Genetics
Classification: Uncertain significance for Inborn genetic diseases. Last evaluated: 2025-02-20. Review status: criteria provided, single submitter. Criteria: Ambry Variant Classification Scheme 2023. Collection method: clinical testing. Allele origin: germline.

Labcorp Genetics (formerly Invitae), Labcorp
Classification: Uncertain significance. Last evaluated: 2022-09-06. Review status: criteria provided, single submitter. Criteria: Invitae Variant Classification Sherloc (09022015). Collection method: clinical testing. Allele origin: germline.
Comment: This sequence change replaces alanine, which is neutral and non-polar, with threonine, which is neutral and polar, at codon 236 of the ADAMTSL4 protein (p.Ala236Thr). This variant is not present in population databases (gnomAD no frequency). This variant has not been reported in the literature in individuals affected with ADAMTSL4-related conditions. ClinVar contains an entry for this variant (Variation ID: 1414327). Algorithms developed to predict the effect of missense changes on protein structure and function output the following: SIFT: "Tolerated"; PolyPhen-2: "Benign"; Align-GVGD: "Class C0". The threonine amino acid residue is found in multiple mammalian species, which suggests that this missense change does not adversely affect protein function. In summary, the available evidence is currently insufficient to determine the role of this variant in disease. Therefore, it has been classified as a Variant of Uncertain Significance.